The following is an entry in ClinVar:

NM_172240.3(POC1B):c.16G>T (p.Glu6Ter)

Genes: POC1B (POC1 centriolar protein B; minus strand), POC1B-DUSP6 (POC1B-DUSP6 readthrough; minus strand), POC1B-GALNT4 (POC1B-GALNT4 readthrough; minus strand). Cytogenetic location: 12q21.33.
Variant type: single nucleotide variant.
Coding change: c.16G>T on transcript NM_172240.3 (MANE Select); coding-DNA position 16, G replaced by T.
Protein change: p.Glu6Ter; replaces glutamic acid 6 with a stop codon.
Molecular consequence: nonsense. On other transcripts: synonymous variant (1), 5 prime UTR variant (2), non-coding transcript variant (2).
Genome position (GRCh38, 1-based): chr12:89,525,204, C>A on the plus strand (G>T on the coding strand, the complement: POC1B is on the minus strand). VCF-style: chr12-89525204-C-A. GRCh37 (hg19) VCF-style: chr12-89918981-C-A.
Other names: c.16G>T, p.Glu6Ter (NM_001199781.2, NM_001425771.1, NM_001425772.1); c.276G>T, p.Arg92= (NM_001199782.1); c.-111G>T (NM_001199777.2); c.-203G>T (NM_001425773.1); short protein forms E6*.
Identifiers: ClinVar variation 3685609 (VCV003685609.2).

ClinVar aggregate classification (germline): Pathogenic (1 of 4 stars; one submission).

Submission:

Labcorp Genetics (formerly Invitae), Labcorp
Classification: Pathogenic. Last evaluated: 2024-12-25. Review status: criteria provided, single submitter. Criteria: Invitae Variant Classification Sherloc (09022015). Collection method: clinical testing. Allele origin: germline.
Comment: This sequence change creates a premature translational stop signal (p.Glu6*) in the POC1B gene. It is expected to result in an absent or disrupted protein product. Loss-of-function variants in POC1B are known to be pathogenic (PMID: 25018096, 29220607). This variant is not present in population databases (gnomAD no frequency). This variant has not been reported in the literature in individuals affected with POC1B-related conditions. Algorithms developed to predict the effect of sequence changes on RNA splicing suggest that this variant may disrupt the consensus splice site. For these reasons, this variant has been classified as Pathogenic.

Literature cited by the submitters: PubMed 25018096; PubMed 29220607.